The following is an entry in ClinVar:

ClinVar aggregate classification (germline): Uncertain significance. Review status: criteria provided, multiple submitters, no conflicts (2 of 4 stars). 2 submissions from 2 submitters: Uncertain significance (2). Last evaluated 2024-07-18.

Conditions:
INSR-related disorder.

gnomAD v4.1: 11 of 1,606,126 alleles (0.00068%); highest among the groups gnomAD compares: Non-Finnish European, 0.00093%; no homozygotes.

Submissions (2):

Blueprint Genetics
Classification: Uncertain significance. Last evaluated: 2024-07-18. Review status: criteria provided, single submitter. Criteria: ACMG Guidelines, 2015. Collection method: clinical testing. Allele origin: germline.

Daryl Scott Lab, Baylor College of Medicine
Classification: Uncertain significance for INSR-related disorder. Last evaluated: 2024-01-01. Review status: criteria provided, single submitter. Criteria: ACMG Guidelines, 2015. Collection method: clinical testing. Allele origin: maternal. Observed: 1 heterozygote.
Comment: PM2, PP3

NM_000208.4(INSR):c.3283A>G (p.Lys1095Glu)

Gene: INSR (insulin receptor; minus strand). Cytogenetic location: 19p13.2.
Variant type: single nucleotide variant.
Coding change: c.3283A>G on transcript NM_000208.4 (MANE Select); coding-DNA position 3283, A replaced by G.
Protein change: p.Lys1095Glu; replaces lysine 1095 with glutamic acid.
Molecular consequence: missense variant.
Genome position (GRCh38, 1-based): chr19:7,122,965, T>C on the plus strand (A>G on the coding strand, the complement: INSR is on the minus strand). VCF-style: chr19-7122965-T-C. GRCh37 (hg19) VCF-style: chr19-7122976-T-C.
Other names: c.3247A>G, p.Lys1083Glu (NM_001079817.3); short protein forms K1083E, K1095E.
Identifiers: ClinVar variation 3764556 (VCV003764556.2).